The following is an entry in ClinVar:

NM_006852.6(TLK2):c.1447_1449del (p.Glu483del)

Gene: TLK2 (tousled like kinase 2; plus strand). Cytogenetic location: 17q23.2.
Variant type: Deletion.
Coding change: c.1447_1449del on transcript NM_006852.6 (MANE Select); coding-DNA positions 1447 to 1449, 3 bases deleted (GAG; older notation c.1447_1449delGAG).
Protein change: p.Glu483del; deletes glutamic acid 483.
Molecular consequence: inframe deletion.
Genome position (GRCh38, 1-based): chr17:62,586,213-62,586,215, GAG deleted; deleting any 3 consecutive bases within chr17:62,586,211-62,586,215 gives the same sequence; the c. name uses the placement nearest the transcript's 3' end. VCF-style (leftmost placement, unchanged base first): chr17-62586210-AAGG-A. GRCh37 (hg19) VCF-style: chr17-60663571-AAGG-A.
Other names: c.1513_1515del, p.Glu505del (NM_001284333.3); c.1351_1353del, p.Glu451del (NM_001284363.1, NM_001375272.1); c.1000_1002del, p.Glu334del (NM_001330418.3, NM_001375273.1); c.1489_1491del, p.Glu497del (NM_001375269.1); c.1447_1449del, p.Glu483del (NM_001375270.1, NM_001375271.1); c.1162_1164del, p.Glu388del (NM_001411074.1); short protein forms E334del, E388del, E451del, E483del, E497del, E505del.
Identifiers: ClinVar variation 3343759 (VCV003343759.1).

ClinVar aggregate classification (germline): Uncertain significance (1 of 4 stars; one submission).

Submission:

GeneDx
Classification: Uncertain significance. Last evaluated: 2023-05-31. Review status: criteria provided, single submitter. Criteria: GeneDx Variant Classification Process June 2021. Collection method: clinical testing. Allele origin: germline. Affected: yes.
Comment: In-frame deletion of one amino acid in a non-repeat region; In silico analysis supports a deleterious effect on protein structure/function; Not observed at significant frequency in large population cohorts (gnomAD); Has not been previously published as pathogenic or benign to our knowledge